The following is an entry in ClinVar:

ClinVar aggregate classification (germline): Uncertain significance. Review status: criteria provided, multiple submitters, no conflicts (2 of 4 stars). 3 submissions from 3 submitters: Uncertain significance (3). Last evaluated 2026-08-06.

Conditions:
Schinzel-Giedion syndrome (SGS). Identifiers: Orphanet 798, MedGen C0265227, MONDO:0010010, OMIM 269150.

Allele frequency attached by ClinVar (database versions not stated): gnomAD 0.00001; gnomAD exomes below 0.00001; TOPMed below 0.00001.
gnomAD v4.1: 8 of 1,614,002 alleles (0.0005%); highest among the groups gnomAD compares: Admixed American, 0.0017%; no homozygotes.

Submissions (3):

OLLIN Analises Genomicas, OLLIN
Classification: Uncertain significance for Schinzel-Giedion syndrome. Last evaluated: 2026-08-06. Review status: criteria provided, single submitter. Criteria: ACMG Guidelines 2015 PMID 25741868. Collection method: clinical testing. Allele origin: germline. Inheritance: Autosomal dominant inheritance.
Comment: This missense variant, located in exon 4 (of 6), has been reported in ClinVar (accession VCV001684089.6) and in gnomAD with an allele frequency of 0.0005%. However, to our knowledge, it has not been reported in the scientific literature. In silico analysis is inconclusive regarding the impact of this variant. According to the currently available evidence, this variant has been classified as uncertain significance (BS2_P).

Labcorp Genetics (formerly Invitae), Labcorp
Classification: Uncertain significance. Last evaluated: 2024-09-17. Review status: criteria provided, single submitter. Criteria: Invitae Variant Classification Sherloc (09022015). Collection method: clinical testing. Allele origin: germline.
Comment: This sequence change replaces serine, which is neutral and polar, with leucine, which is neutral and non-polar, at codon 1076 of the SETBP1 protein (p.Ser1076Leu). This variant is present in population databases (no rsID available, gnomAD 0.0009%). This variant has not been reported in the literature in individuals affected with SETBP1-related conditions. ClinVar contains an entry for this variant (Variation ID: 1684089). Invitae Evidence Modeling of protein sequence and biophysical properties (such as structural, functional, and spatial information, amino acid conservation, physicochemical variation, residue mobility, and thermodynamic stability) has been performed for this missense variant. However, the output from this modeling did not meet the statistical confidence thresholds required to predict the impact of this variant on SETBP1 protein function. In summary, the available evidence is currently insufficient to determine the role of this variant in disease. Therefore, it has been classified as a Variant of Uncertain Significance.

GeneDx
Classification: Uncertain significance. Last evaluated: 2022-05-12. Review status: criteria provided, single submitter. Criteria: GeneDx Variant Classification Process June 2021. Collection method: clinical testing. Allele origin: germline. Affected: yes.
Comment: Reported as a variant of uncertain significance in a proband with a global developmental delay, expressive speech impairment, and cognitive defects in published literature; the proband was reported to also have a de novo deletion (Leonardi et al., 2020); In silico analysis supports that this missense variant has a deleterious effect on protein structure/function; This variant is associated with the following publications: (PMID: 33391157)

NM_015559.3(SETBP1):c.3227C>T (p.Ser1076Leu)

Gene: SETBP1 (SET binding protein 1; plus strand). Cytogenetic location: 18q12.3.
Variant type: single nucleotide variant.
Coding change: c.3227C>T on transcript NM_015559.3 (MANE Select); coding-DNA position 3227, C replaced by T.
Protein change: p.Ser1076Leu; replaces serine 1076 with leucine.
Molecular consequence: missense variant.
Genome position (GRCh38, 1-based): chr18:44,952,567, C>T. VCF-style: chr18-44952567-C-T. GRCh37 (hg19) VCF-style: chr18-42532532-C-T.
Other names: c.3227C>T, p.Ser1076Leu (NM_001379141.1, NM_001379142.1); short protein forms S1076L.
Identifiers: ClinVar variation 1684089 (VCV001684089.7), dbSNP rs1449085454, ClinGen allele CA402323927.
Genomic context (GRCh38, chr18:44,952,567, plus strand): 5'-CATCAATGCCTATGATGAACCTTGGTTATTACGGTCAGTACCCAGCTCCTTTGTACCTAT[C>T]GCACACGCTTGGAGCAGCTTCCCCATTCATGAGGCCAACAGTGCCACCACCTCAGTTCCA-3'
Protein context (NP_056374.2, residues 1066-1086): YGQYPAPLYL[Ser1076Leu]HTLGAASPFM